The following is an entry in ClinVar:

ClinVar aggregate classification (germline): Uncertain significance (1 of 4 stars; one submission).

Conditions:
Periodic fever-infantile enterocolitis-autoinflammatory syndrome. Also called: Autoinflammation with infantile enterocolitis. Identifiers: Orphanet 436166, MedGen C4015067, MONDO:0014472, OMIM 616050.
Familial cold autoinflammatory syndrome 4 (FCAS4). Identifiers: Orphanet 47045, Orphanet 576349, MedGen C4015276, MONDO:0014498, OMIM 616115.

Allele frequency attached by ClinVar (database versions not stated): gnomAD exomes below 0.00001; gnomAD 0.00001; TOPMed 0.00001.
gnomAD v4.1: 5 of 1,598,974 alleles (0.00031%); highest among the groups gnomAD compares: Admixed American, 0.0084%; no homozygotes.

Submission:

Labcorp Genetics (formerly Invitae), Labcorp
Classification: Uncertain significance for Periodic fever-infantile enterocolitis-autoinflammatory syndrome; Familial cold autoinflammatory syndrome 4. Last evaluated: 2025-06-03. Review status: criteria provided, single submitter. Criteria: Invitae Variant Classification Sherloc (09022015). Collection method: clinical testing. Allele origin: germline.
Comment: This sequence change replaces glutamic acid, which is acidic and polar, with aspartic acid, which is acidic and polar, at codon 778 of the NLRC4 protein (p.Glu778Asp). This variant is present in population databases (no rsID available, gnomAD 0.01%). This variant has not been reported in the literature in individuals affected with NLRC4-related conditions. ClinVar contains an entry for this variant (Variation ID: 2929364). Invitae Evidence Modeling of protein sequence and biophysical properties (such as structural, functional, and spatial information, amino acid conservation, physicochemical variation, residue mobility, and thermodynamic stability) indicates that this missense variant is not expected to disrupt NLRC4 protein function with a negative predictive value of 80%. In summary, the available evidence is currently insufficient to determine the role of this variant in disease. Therefore, it has been classified as a Variant of Uncertain Significance.

NM_001199138.2(NLRC4):c.2334A>T (p.Glu778Asp)

Gene: NLRC4 (NLR family CARD domain containing 4; minus strand). Cytogenetic location: 2p22.3.
Variant type: single nucleotide variant.
Coding change: c.2334A>T on transcript NM_001199138.2 (MANE Select); coding-DNA position 2334, A replaced by T.
Protein change: p.Glu778Asp; replaces glutamic acid 778 with aspartic acid.
Molecular consequence: missense variant.
Genome position (GRCh38, 1-based): chr2:32,241,049, T>A on the plus strand (A>T on the coding strand, the complement: NLRC4 is on the minus strand). VCF-style: chr2-32241049-T-A. GRCh37 (hg19) VCF-style: chr2-32466118-T-A.
Other names: c.2334A>T, p.Glu778Asp (NM_001199139.2, NM_021209.5); c.339A>T, p.Glu113Asp (NM_001302504.2); short protein forms E113D, E778D.
Identifiers: ClinVar variation 2929364 (VCV002929364.3), dbSNP rs992361336, ClinGen allele CA44742231.
Genomic context (GRCh38, chr2:32,241,049, plus strand): 5'-TTATCAAACTTACATTGATACAAATATGAGAACAGAAATCTGACCTAGTTTTATAGCATC[T>A]TCTTCATTCATCTTTATGTTATCCATTATGAGCTTTGTAAGGTTCTTCAAGTTACCCAAG-3'
Protein context (NP_001186067.1, residues 768-788): LIMDNIKMNE[Glu778Asp]DAIKLAEGLK